The following is an entry in ClinVar:

ClinVar aggregate classification (germline): Uncertain significance. Review status: criteria provided, single submitter (1 of 4 stars). 2 submissions from 2 submitters: Uncertain significance (1). 1 of the submissions does not count toward it. Last evaluated 2024-11-13.

Allele frequency attached by ClinVar (database versions not stated): gnomAD 0.00001; ExAC 0.00002; gnomAD exomes 0.00002; TOPMed 0.00002; ESP Exome Variant Server 0.00008.
gnomAD v4.1: 57 of 1,612,784 alleles (0.0035%); highest among the groups gnomAD compares: Non-Finnish European, 0.0045%; no homozygotes.

Submissions (2):

Ambry Genetics
Classification: Uncertain significance. Last evaluated: 2024-11-13. Review status: criteria provided, single submitter. Criteria: Ambry Variant Classification Scheme 2023. Collection method: clinical testing. Allele origin: germline.

Department of Pathology and Laboratory Medicine, Sinai Health System
Classification: Uncertain significance. Review status: no assertion criteria provided. Collection method: clinical testing. Allele origin: unknown. Affected: yes. Study: The Canadian Open Genetics Repository (COGR). Not counted in ClinVar's aggregate classification.
Comment: The BDP1 p.Pro2245Ala variant was not identified in the literature nor was it identified in ClinVar. The variant was identified in dbSNP (ID: rs367642215) and in control databases in 6 of 248444 chromosomes at a frequency of 0.00002415 (Genome Aggregation Database March 6, 2019, v2.1.1). The variant was observed in the following populations: Other in 1 of 6040 chromosomes (freq: 0.000166) and European (non-Finnish) in 5 of 112944 chromosomes (freq: 0.000044), but was not observed in the African, Latino, Ashkenazi Jewish, East Asian, European (Finnish), or South Asian populations. The p.Pro2245 residue is not conserved in mammals and computational analyses (PolyPhen-2, SIFT, AlignGVGD, BLOSUM, MutationTaster) do not suggest a high likelihood of impact to the protein; however, this information is not predictive enough to rule out pathogenicity. The variant occurs outside of the splicing consensus sequence and 1 of 4 in silico or computational prediction software programs (SpliceSiteFinder, MaxEntScan, NNSPLICE, GeneSplicer) predict a greater than 10% difference in splicing; this is not very predictive of pathogenicity. In summary, based on the above information the clinical significance of this variant cannot be determined with certainty at this time. This variant is classified as a variant of uncertain significance.

NM_018429.3(BDP1):c.6733C>G (p.Pro2245Ala)

Gene: BDP1 (BDP1 general transcription factor IIIB subunit; plus strand). Cytogenetic location: 5q13.2.
Variant type: single nucleotide variant.
Coding change: c.6733C>G on transcript NM_018429.3 (MANE Select); coding-DNA position 6733, C replaced by G.
Protein change: p.Pro2245Ala; replaces proline 2245 with alanine.
Molecular consequence: missense variant.
Genome position (GRCh38, 1-based): chr5:71,545,208, C>G. VCF-style: chr5-71545208-C-G. GRCh37 (hg19) VCF-style: chr5-70841035-C-G.
Other names: c.6733C>G (NM_018429.2); short protein forms P2245A.
Identifiers: ClinVar variation 1049191 (VCV001049191.2), dbSNP rs367642215, ClinGen allele CA3297301.
Genomic context (GRCh38, chr5:71,545,208, plus strand): 5'-GAAAATTCTGTTGAAGAGCCCCAGATAAAGGACTCTAAAGGAGACAGTGTGCTTACACTT[C>G]CTGTGCCAGAGGTAAAAGAATGTACAGTATAATAAGGGATAGCAAGGTGTTTTCCTCCAT-3'
Protein context (NP_060899.2, residues 2235-2255): DSKGDSVLTL[Pro2245Ala]VPEYTPTSIP